The following is an entry in ClinVar:

ClinVar aggregate classification (germline): Uncertain significance (1 of 4 stars; one submission).

Conditions:
Early-infantile DEE. Also called: Ohtahara syndrome; Early infantile epileptic encephalopathy with suppression bursts; Early infantile epileptic encephalopathy. Identifiers: Orphanet 1934, MedGen C0393706, MONDO:0800491.

Allele frequency attached by ClinVar (database versions not stated): gnomAD exomes 0.00001 and 0.00002.
gnomAD v4.1: 27 of 1,591,580 alleles (0.0017%); highest among the groups gnomAD compares: Non-Finnish European, 0.0023%; no homozygotes.

Submission:

Labcorp Genetics (formerly Invitae), Labcorp
Classification: Uncertain significance for Early-infantile DEE. Last evaluated: 2019-01-31. Review status: criteria provided, single submitter. Criteria: Invitae Variant Classification Sherloc (09022015). Collection method: clinical testing. Allele origin: germline.
Comment: In summary, the available evidence is currently insufficient to determine the role of this variant in disease. Therefore, it has been classified as a Variant of Uncertain Significance. Algorithms developed to predict the effect of missense changes on protein structure and function are either unavailable or do not agree on the potential impact of this missense change (SIFT: "Deleterious"; PolyPhen-2: "Benign"; Align-GVGD: "Class C0"). This variant has not been reported in the literature in individuals with SCN8A-related conditions. This variant is not present in population databases (ExAC no frequency). This sequence change replaces leucine with phenylalanine at codon 601 of the SCN8A protein (p.Leu601Phe). The leucine residue is highly conserved and there is a small physicochemical difference between leucine and phenylalanine.

NM_001330260.2(SCN8A):c.1801C>T (p.Leu601Phe)

Gene: SCN8A (sodium voltage-gated channel alpha subunit 8; plus strand). Cytogenetic location: 12q13.13.
Variant type: single nucleotide variant.
Coding change: c.1801C>T on transcript NM_001330260.2 (MANE Select); coding-DNA position 1801, C replaced by T.
Protein change: p.Leu601Phe; replaces leucine 601 with phenylalanine.
Molecular consequence: missense variant.
Genome position (GRCh38, 1-based): chr12:51,721,711, C>T. VCF-style: chr12-51721711-C-T. GRCh37 (hg19) VCF-style: chr12-52115495-C-T.
Other names: c.1801C>T, p.Leu601Phe (NM_001177984.3, NM_001369788.1, NM_014191.4); short protein forms L601F.
Identifiers: ClinVar variation 839552 (VCV000839552.10), dbSNP rs1374989397, ClinGen allele CA385229621.